The following is an entry in ClinVar:

NM_000138.5(FBN1):c.1850_1851delinsTG (p.Cys617Leu)

Gene: FBN1 (fibrillin 1; minus strand). Cytogenetic location: 15q21.1.
Variant type: Indel.
Coding change: c.1850_1851delinsTG on transcript NM_000138.5 (MANE Select); coding-DNA positions 1850 to 1851, GT replaced by TG.
Protein change: p.Cys617Leu; replaces cysteine 617 with leucine.
Molecular consequence: missense variant.
Genome position (GRCh38, 1-based): chr15:48,505,134-48,505,135, AC replaced by CA on the plus strand (GT replaced by TG on the coding strand, the reverse complement: FBN1 is on the minus strand). VCF-style: chr15-48505134-AC-CA. GRCh37 (hg19) VCF-style: chr15-48797331-AC-CA.
Other names: c.1850_1851delinsTG, p.Cys617Leu (NM_001406716.1); short protein forms C617L.
Identifiers: ClinVar variation 3757940 (VCV003757940.2).

ClinVar aggregate classification (germline): Likely pathogenic (1 of 4 stars; one submission).

Conditions:
Marfan syndrome (MFS). Also called: MARFAN SYNDROME, TYPE I; Marfan syndrome type 1; Marfan's syndrome; Marfan syndrome, classic; FBN1-Related Marfan Syndrome. Identifiers: Orphanet 284963, Orphanet 558, MedGen C0024796, MONDO:0007947, OMIM 154700.
Familial thoracic aortic aneurysm and aortic dissection (TAAD). Also called: Thoracic aortic aneurysms and dissections. Identifiers: Orphanet 91387, MedGen C4707243, MONDO:0019625.

Submission:

Labcorp Genetics (formerly Invitae), Labcorp
Classification: Likely pathogenic for Marfan syndrome; Familial thoracic aortic aneurysm and aortic dissection. Last evaluated: 2024-09-02. Review status: criteria provided, single submitter. Criteria: Invitae Variant Classification Sherloc (09022015). Collection method: clinical testing. Allele origin: germline.
Comment: This sequence change replaces cysteine, which is neutral and slightly polar, with leucine, which is neutral and non-polar, at codon 617 of the FBN1 protein (p.Cys617Leu). Information on the frequency of this variant in the gnomAD database is not available, as this variant may be reported differently in the database. This missense change has been observed in individual(s) with clinical features of Marfan syndrome (internal data). An algorithm developed to predict the effect of missense changes on protein structure and function (PolyPhen-2) suggests that this variant is likely to be disruptive. This variant affects a cysteine residue in the EGF-like, TGFBP or hybrid motif domains of FBN1. Cysteine residues are believed to be involved in intramolecular disulfide bridges and have been shown to be important for FBN1 protein structure (PMID: 16905551, 19349279). In addition, missense substitutions affecting cysteine residues within these domains are significantly overrepresented among patients with Marfan syndrome (PMID: 16571647, 17701892). This variant disrupts the p.Cys617 amino acid residue in FBN1. Other variant(s) that disrupt this residue have been observed in individuals with FBN1-related conditions (PMID: 21542060, 27906200, 29357934), which suggests that this may be a clinically significant amino acid residue. In summary, the currently available evidence indicates that the variant is pathogenic, but additional data are needed to prove that conclusively. Therefore, this variant has been classified as Likely Pathogenic.

Literature cited by the submitters: PubMed 16905551; PubMed 19349279; PubMed 16571647; PubMed 17701892; PubMed 21542060; PubMed 27906200; PubMed 29357934.